The following is an entry in ClinVar:

NM_001711.6(BGN):c.979G>T (p.Val327Leu)

Gene: BGN (biglycan; plus strand). Cytogenetic location: Xq28.
Variant type: single nucleotide variant.
Coding change: c.979G>T on transcript NM_001711.6 (MANE Select); coding-DNA position 979, G replaced by T.
Protein change: p.Val327Leu; replaces valine 327 with leucine.
Molecular consequence: missense variant.
Genome position (GRCh38, 1-based): chrX:153,508,317, G>T. VCF-style: chrX-153508317-G-T. GRCh37 (hg19) VCF-style: chrX-152773775-G-T.
Other names: c.979G>T (NM_001711.4); short protein forms V327L.
Identifiers: ClinVar variation 2908293 (VCV002908293.11), dbSNP rs782794495, ClinGen allele CA10547374.

ClinVar aggregate classification (germline): Conflicting classifications of pathogenicity. Review status: criteria provided, conflicting classifications (1 of 4 stars). 3 submissions from 3 submitters: Uncertain significance (2); Likely benign (1). Last evaluated 2025-03-01.

Conditions:
Cardiovascular phenotype. Identifiers: MedGen CN230736.

Allele frequency attached by ClinVar (database versions not stated): gnomAD 0.00001; gnomAD exomes 0.00001; ExAC 0.00002.
gnomAD v4.1: 15 of 1,210,967 alleles (0.0012%); highest among the groups gnomAD compares: Admixed American, 0.0044%; no homozygotes.

Submissions (3):

CeGaT Center for Human Genetics Tuebingen
Classification: Likely benign. Last evaluated: 2025-03-01. Review status: criteria provided, single submitter. Criteria: CeGaT Center For Human Genetics Tuebingen Variant Classification Criteria Version 2. Collection method: clinical testing. Allele origin: germline. Affected: yes. Observed: 1 variant allele.
Comment: BGN: BS2

Labcorp Genetics (formerly Invitae), Labcorp
Classification: Uncertain significance. Last evaluated: 2024-05-22. Review status: criteria provided, single submitter. Criteria: Invitae Variant Classification Sherloc (09022015). Collection method: clinical testing. Allele origin: germline.
Comment: This sequence change replaces valine, which is neutral and non-polar, with leucine, which is neutral and non-polar, at codon 327 of the BGN protein (p.Val327Leu). This variant is present in population databases (rs782794495, gnomAD 0.008%). This variant has not been reported in the literature in individuals affected with BGN-related conditions. An algorithm developed to predict the effect of missense changes on protein structure and function (PolyPhen-2) suggests that this variant is likely to be tolerated. In summary, the available evidence is currently insufficient to determine the role of this variant in disease. Therefore, it has been classified as a Variant of Uncertain Significance.

Ambry Genetics
Classification: Uncertain significance for Cardiovascular phenotype. Last evaluated: 2024-04-04. Review status: criteria provided, single submitter. Criteria: Ambry Variant Classification Scheme 2023. Collection method: clinical testing. Allele origin: germline.
Comment: The p.V327L variant (also known as c.979G>T), located in coding exon 7 of the BGN gene, results from a G to T substitution at nucleotide position 979. The valine at codon 327 is replaced by leucine, an amino acid with highly similar properties. This amino acid position is conserved. In addition, this alteration is predicted to be tolerated by in silico analysis. Based on the available evidence, the clinical significance of this variant remains unclear.